The following is an entry in ClinVar:

NM_002880.4(RAF1):c.1738G>T (p.Ala580Ser)

Gene: RAF1 (Raf-1 proto-oncogene, serine/threonine kinase; minus strand). Cytogenetic location: 3p25.2.
Variant type: single nucleotide variant.
Coding change: c.1738G>T on transcript NM_002880.4 (MANE Select); coding-DNA position 1738, G replaced by T.
Protein change: p.Ala580Ser; replaces alanine 580 with serine.
Molecular consequence: missense variant. On other transcripts: non-coding transcript variant (3).
Genome position (GRCh38, 1-based): chr3:12,584,912, C>A on the plus strand (G>T on the coding strand, the complement: RAF1 is on the minus strand). VCF-style: chr3-12584912-C-A. GRCh37 (hg19) VCF-style: chr3-12626411-C-A.
Other names: c.1798G>T, p.Ala600Ser (NM_001354689.3); c.1738G>T, p.Ala580Ser (NM_001354690.3); c.1495G>T, p.Ala499Ser (NM_001354691.3, NM_001354692.3); c.1639G>T, p.Ala547Ser (NM_001354693.3); c.1555G>T, p.Ala519Ser (NM_001354694.3); c.1396G>T, p.Ala466Ser (NM_001354695.3); short protein forms A466S, A499S, A519S, A547S, A580S, A600S.
Identifiers: ClinVar variation 1719393 (VCV001719393.5), dbSNP rs760009469, ClinGen allele CA351496733.

ClinVar aggregate classification (germline): Uncertain significance (1 of 4 stars; one submission).

Conditions:
RASopathy. Also called: rasopathies; Noonan spectrum disorder. Identifiers: Orphanet 536391, MedGen C5555857, MONDO:0021060.

Submission:

Labcorp Genetics (formerly Invitae), Labcorp
Classification: Uncertain significance for RASopathy. Last evaluated: 2022-09-14. Review status: criteria provided, single submitter. Criteria: Invitae Variant Classification Sherloc (09022015). Collection method: clinical testing. Allele origin: germline.
Comment: In summary, the available evidence is currently insufficient to determine the role of this variant in disease. Therefore, it has been classified as a Variant of Uncertain Significance. Advanced modeling of protein sequence and biophysical properties (such as structural, functional, and spatial information, amino acid conservation, physicochemical variation, residue mobility, and thermodynamic stability) performed at Invitae indicates that this missense variant is expected to disrupt RAF1 protein function. This variant has not been reported in the literature in individuals affected with RAF1-related conditions. This variant is not present in population databases (gnomAD no frequency). This sequence change replaces alanine, which is neutral and non-polar, with serine, which is neutral and polar, at codon 580 of the RAF1 protein (p.Ala580Ser).